The following is an entry in ClinVar:

NM_004369.4(COL6A3):c.2972C>T (p.Ala991Val)

Gene: COL6A3 (collagen type VI alpha 3 chain; minus strand). Cytogenetic location: 2q37.3.
Variant type: single nucleotide variant.
Coding change: c.2972C>T on transcript NM_004369.4 (MANE Select); coding-DNA position 2972, C replaced by T.
Protein change: p.Ala991Val; replaces alanine 991 with valine.
Molecular consequence: missense variant.
Genome position (GRCh38, 1-based): chr2:237,376,870, G>A on the plus strand (C>T on the coding strand, the complement: COL6A3 is on the minus strand). VCF-style: chr2-237376870-G-A. GRCh37 (hg19) VCF-style: chr2-238285513-G-A.
Other names: p.Ala991Val; c.1751C>T, p.Ala584Val (NM_057164.5); c.2354C>T, p.Ala785Val (NM_057165.5, NM_057167.4); c.1151C>T, p.Ala384Val (NM_057166.5); short protein forms A991V, A785V, A584V, A384V.
Identifiers: ClinVar variation 476515 (VCV000476515.20), dbSNP rs202185764, ClinGen allele CA2189278.

ClinVar aggregate classification (germline): Conflicting classifications of pathogenicity. Review status: criteria provided, conflicting classifications (1 of 4 stars). 6 submissions from 6 submitters: Uncertain significance (3); Likely benign (3). Last evaluated 2026-09-01.

Conditions:
Inborn genetic diseases. Identifiers: MedGen C0950123, MeSH D030342.
Bethlem myopathy 1A. Also called: MYOPATHY, BENIGN CONGENITAL, WITH CONTRACTURES; Bethlem myopathy 1; Bethlem Muscular Dystrophy. Identifiers: Orphanet 610, MedGen CN029274, MONDO:0024530, OMIM 158810.
Tip-toe gait. Also called: Toe walking. Identifiers: MedGen C0427144, HP:0030051.

Allele frequency attached by ClinVar (database versions not stated): gnomAD 0.00005; TOPMed 0.00009; gnomAD exomes 0.00016; ExAC 0.00017.
gnomAD v4.1: 215 of 1,614,068 alleles (0.013%); highest among the groups gnomAD compares: Middle Eastern, 0.12%; 1 homozygote.

Submissions (6):

CeGaT Center for Human Genetics Tuebingen
Classification: Likely benign. Last evaluated: 2026-09-01. Review status: criteria provided, single submitter. Criteria: CeGaT Center For Human Genetics Tuebingen Variant Classification Criteria Version 2. Collection method: clinical testing. Allele origin: germline. Affected: yes. Observed: 2 variant alleles.
Comment: COL6A3: BP4, BS2

Labcorp Genetics (formerly Invitae), Labcorp
Classification: Likely benign for Bethlem myopathy 1A. Last evaluated: 2026-01-19. Review status: criteria provided, single submitter. Criteria: Invitae Variant Classification Sherloc (09022015). Collection method: clinical testing. Allele origin: germline.

Mayo Clinic Laboratories, Mayo Clinic
Classification: Uncertain significance. Last evaluated: 2025-09-11. Review status: criteria provided, single submitter. Criteria: ACMG Guidelines, 2015. Collection method: clinical testing. Allele origin: germline. Observed: 1 variant allele.
Comment: BP4_moderate

Revvity Omics, Revvity
Classification: Likely benign. Last evaluated: 2023-03-21. Review status: criteria provided, single submitter. Criteria: ACMG Guidelines, 2015. Collection method: clinical testing. Allele origin: germline.

Ambry Genetics
Classification: Uncertain significance for Inborn genetic diseases. Last evaluated: 2021-08-02. Review status: criteria provided, single submitter. Criteria: Ambry Variant Classification Scheme 2023. Collection method: clinical testing. Allele origin: germline.

Practice for Gait Abnormalities, David Pomarino, Competency Network Toe Walking C/o Practice Pomarino
Classification: Uncertain significance for Tip-toe gait. Last evaluated: 2020-11-25. Review status: criteria provided, single submitter. Criteria: ACMG Guidelines, 2015. Collection method: clinical testing. Allele origin: unknown. Affected: yes.
Comment: We conducted a clinical examination of patients about toe walking. This variant has not yet been reported in the HGMD and LOVD databases or in the literature. However, it is classified in the ClinVar database as likely benigne in relation to Bethlem myopathy (1 entry). Different in-silico prediction programs [MutationTaster, PolyPhen-2, MutationAssessor] do not assign functional significance to the variant. Influence on altered splicing of mRNA could also not be determined [MutationTaster, varSEAK]. Based on the available data, this variant is classified as VUS. Myopathy refers to diseases that affect skeletal Muscles. These diseases attack muscle fibers, making muscles weak. Inherited myopathies are often caused by inheriting an abnormal gene mutation from a parent that causes the disease. Symptoms of congenital myopathies usually start at birth or in early childhood, but may not appear until the teen years or even later in adulthood. Congenital myopathies are somewhat unique compared with other inherited myopathies, as weakness typically affects all muscles and is often not progressive. Symptoms are: Muscle weakness, most commonly of upper arms and shoulders and thighs, muscle cramps, stiffness and spasms, fatigue with exertion and lack of energy. Our patients all walk on tiptoe, so they show similar symptoms. When we genetically test them with our toe walking panel, we find that around 90 per cent of them have a genetic variant that explains their toe walking. These can be assigned, for example, to the area of myopathies (such as variants of the COL6A3 gene), the area of hereditary neuropathies (such as variants of the KMT2C gene) or the area of metabolic diseases (such as variants of the PYGM gene). In a smaller group of patients with almost identical symptoms, no abnormality is found in the genes of our panel, but spastic paraplegia can be detected. In another small group of our toe walkers, no abnormalities can be detected in the genes analysed in our toe walking panel, nor do they suffer from spastic paraplegia, as is also the case with healthy children. In contrast to these, however, they show a tiptoe gait. These patients suffer from infantile cerebral palsy, in which toe walking can also be observed.

Literature cited by the submitters: PubMed 37091313 (cited by Practice for Gait Abnormalities, David Pomarino, Competency Network Toe Walking C/o Practice Pomarino).